The following is an entry in ClinVar:

ClinVar aggregate classification (germline): Conflicting classifications of pathogenicity. Review status: criteria provided, conflicting classifications (1 of 4 stars). 4 submissions from 4 submitters: Uncertain significance (1); Likely benign (2). 1 of the submissions does not count toward it. Last evaluated 2025-11-02.

Conditions:
Inborn genetic diseases. Identifiers: MedGen C0950123, MeSH D030342.

Allele frequency attached by ClinVar (database versions not stated): 1000 Genomes Project 0.00020; 1000 Genomes Project 30x 0.00031; gnomAD 0.00033 and 0.00037; TOPMed 0.00036; ESP Exome Variant Server 0.00062.
gnomAD v4.1: 98 of 1,614,058 alleles (0.0061%); highest among the groups gnomAD compares: African/African-American, 0.13%; no homozygotes.

Submissions (4):

Labcorp Genetics (formerly Invitae), Labcorp
Classification: Likely benign. Last evaluated: 2025-11-02. Review status: criteria provided, single submitter. Criteria: Invitae Variant Classification Sherloc (09022015). Collection method: clinical testing. Allele origin: germline.

Blueprint Genetics
Classification: Likely benign. Last evaluated: 2023-01-10. Review status: criteria provided, single submitter. Criteria: ACMG Guidelines, 2015. Collection method: clinical testing. Allele origin: germline.

Ambry Genetics
Classification: Uncertain significance for Inborn genetic diseases. Last evaluated: 2021-07-06. Review status: criteria provided, single submitter. Criteria: Ambry Variant Classification Scheme 2023. Collection method: clinical testing. Allele origin: germline.

Department of Pathology and Laboratory Medicine, Sinai Health System
Classification: Likely benign. Review status: no assertion criteria provided. Collection method: clinical testing. Allele origin: unknown. Affected: yes. Study: The Canadian Open Genetics Repository (COGR). Not counted in ClinVar's aggregate classification.
Comment: The VCAN p.Ile1983Leu variant was not identified in the literature nor was it identified in ClinVar. The variant was identified in dbSNP (ID: rs145891745) and LOVD 3.0 (variant effect not shared). The variant was identified in control databases in 33 of 281936 chromosomes at a frequency of 0.000117 (Genome Aggregation Database March 6, 2019, v2.1.1). The variant was observed in the following populations: African in 31 of 24962 chromosomes (freq: 0.001242), Latino in 1 of 35354 chromosomes (freq: 0.000028) and European (non-Finnish) in 1 of 128450 chromosomes (freq: 0.000008), but was not observed in the Ashkenazi Jewish, East Asian, European (Finnish), Other, or South Asian populations. The p.Ile1983 residue is not conserved in mammals and computational analyses (PolyPhen-2, SIFT, AlignGVGD, BLOSUM, MutationTaster) do not suggest a high likelihood of impact to the protein; however, this information is not predictive enough to rule out pathogenicity. The variant occurs outside of the splicing consensus sequence and in silico or computational prediction software programs (SpliceSiteFinder, MaxEntScan, NNSPLICE, GeneSplicer) do not predict a difference in splicing. In summary, based on the above information the clinical significance of this variant cannot be determined with certainty at this time although we would lean towards a more benign role for this variant. This variant is classified as likely benign.

NM_004385.5(VCAN):c.5947A>T (p.Ile1983Leu)

Genes: VCAN (versican; plus strand), VCAN-AS1 (VCAN antisense RNA 1; minus strand). Cytogenetic location: 5q14.3.
Variant type: single nucleotide variant.
Coding change: c.5947A>T on transcript NM_004385.5 (MANE Select); coding-DNA position 5947, A replaced by T.
Protein change: p.Ile1983Leu; replaces isoleucine 1983 with leucine.
Molecular consequence: missense variant. On other transcripts: intron variant (2).
Genome position (GRCh38, 1-based): chr5:83,538,950, A>T. VCF-style: chr5-83538950-A-T. GRCh37 (hg19) VCF-style: chr5-82834769-A-T.
Other names: c.2986A>T, p.Ile996Leu (NM_001164097.2); c.4004-6587A>T (NM_001164098.2); c.1043-6587A>T (NM_001126336.3); c.5947A>T (NM_004385.4); short protein forms I1983L, I996L.
Identifiers: ClinVar variation 1048832 (VCV001048832.12), dbSNP rs145891745, ClinGen allele CA3333398.